The following is an entry in ClinVar:

ClinVar aggregate classification (germline): Uncertain significance (1 of 4 stars; one submission).

Allele frequency attached by ClinVar (database versions not stated): gnomAD exomes below 0.00001; gnomAD 0.00002; TOPMed 0.00002.
gnomAD v4.1: 5 of 1,612,654 alleles (0.00031%); highest among the groups gnomAD compares: African/African-American, 0.0067%; no homozygotes.

Submission:

Women's Health and Genetics/Laboratory Corporation of America, LabCorp
Classification: Uncertain significance. Last evaluated: 2022-03-18. Review status: criteria provided, single submitter. Criteria: LabCorp Variant Classification Summary - May 2015. Collection method: clinical testing. Allele origin: germline.
Comment: Variant summary: PCSK5 c.5234T>C (p.Leu1745Pro) results in a non-conservative amino acid change in the last exon of the encoded protein sequence. Four of five in-silico tools predict a damaging effect of the variant on protein function. The variant was absent in 241510 control chromosomes (gnomAD). The available data on variant occurrences in the general population are insufficient to allow any conclusion about variant significance. To our knowledge, no occurrence of c.5234T>C in individuals affected with PCSK5-Related Disorders and no experimental evidence demonstrating its impact on protein function have been reported. No clinical diagnostic laboratories have submitted clinical-significance assessments for this variant to ClinVar after 2014. Based on the evidence outlined above, the variant was classified as uncertain significance.

NM_001372043.1(PCSK5):c.5315T>C (p.Leu1772Pro)

Gene: PCSK5 (proprotein convertase subtilisin/kexin type 5; plus strand). Cytogenetic location: 9q21.13.
Variant type: single nucleotide variant.
Coding change: c.5315T>C on transcript NM_001372043.1 (MANE Select); coding-DNA position 5315, T replaced by C.
Protein change: p.Leu1772Pro; replaces leucine 1772 with proline.
Molecular consequence: missense variant.
Genome position (GRCh38, 1-based): chr9:76,358,573, T>C. VCF-style: chr9-76358573-T-C. GRCh37 (hg19) VCF-style: chr9-78973489-T-C.
Other names: c.5234T>C, p.Leu1745Pro (NM_001190482.2); short protein forms L1745P, L1772P.
Identifiers: ClinVar variation 1677138 (VCV001677138.1), dbSNP rs905582676, ClinGen allele CA194320061.